The following is an entry in ClinVar:

ClinVar aggregate classification (germline): Uncertain significance (1 of 4 stars; one submission).

Conditions:
Cardiovascular phenotype. Identifiers: MedGen CN230736.

Allele frequency attached by ClinVar (database versions not stated): gnomAD 0.00001.
gnomAD v4.1: 3 of 1,613,638 alleles (0.00019%); highest among the groups gnomAD compares: Admixed American, 0.0017%; no homozygotes.

Submission:

Ambry Genetics
Classification: Uncertain significance for Cardiovascular phenotype. Last evaluated: 2020-04-29. Review status: criteria provided, single submitter. Criteria: Ambry Variant Classification Scheme 2023. Collection method: clinical testing. Allele origin: germline.
Comment: The p.S526F variant (also known as c.1577C>T), located in coding exon 12 of the LAMA4 gene, results from a C to T substitution at nucleotide position 1577. The serine at codon 526 is replaced by phenylalanine, an amino acid with highly dissimilar properties. This amino acid position is well conserved in available vertebrate species. In addition, this alteration is predicted to be tolerated by in silico analysis. Since supporting evidence is limited at this time, the clinical significance of this alteration remains unclear.

NM_001105206.3(LAMA4):c.1598C>T (p.Ser533Phe)

Gene: LAMA4 (laminin subunit alpha 4; minus strand). Cytogenetic location: 6q21.
Variant type: single nucleotide variant.
Coding change: c.1598C>T on transcript NM_001105206.3 (MANE Select); coding-DNA position 1598, C replaced by T.
Protein change: p.Ser533Phe; replaces serine 533 with phenylalanine.
Molecular consequence: missense variant.
Genome position (GRCh38, 1-based): chr6:112,165,230, G>A on the plus strand (C>T on the coding strand, the complement: LAMA4 is on the minus strand). VCF-style: chr6-112165230-G-A. GRCh37 (hg19) VCF-style: chr6-112486432-G-A.
Other names: c.1577C>T, p.Ser526Phe (NM_001105207.3, NM_002290.5); short protein forms S533F, S526F.
Identifiers: ClinVar variation 1775613 (VCV001775613.2), dbSNP rs782202196, ClinGen allele CA3965726.